The following is an entry in ClinVar:

ClinVar aggregate classification (germline): Uncertain significance (1 of 4 stars; one submission).

Allele frequency attached by ClinVar (database versions not stated): ExAC 0.00015; ESP Exome Variant Server 0.00023.
gnomAD v4.1: 281 of 1,609,936 alleles (0.017%); highest among the groups gnomAD compares: Non-Finnish European, 0.022%; no homozygotes.

Submission:

Labcorp Genetics (formerly Invitae), Labcorp
Classification: Uncertain significance. Last evaluated: 2026-01-25. Review status: criteria provided, single submitter. Criteria: Invitae Variant Classification Sherloc (09022015). Collection method: clinical testing. Allele origin: germline.
Comment: This sequence change replaces valine, which is neutral and non-polar, with methionine, which is neutral and non-polar, at codon 375 of the NECTIN1 protein (p.Val375Met). This variant is present in population databases (rs145005973, gnomAD 0.03%). This variant has not been reported in the literature in individuals affected with NECTIN1-related conditions. ClinVar contains an entry for this variant (Variation ID: 1499489). An algorithm developed to predict the effect of missense changes on protein structure and function (PolyPhen-2) suggests that this variant is likely to be tolerated. In summary, the available evidence is currently insufficient to determine the role of this variant in disease. Therefore, it has been classified as a Variant of Uncertain Significance.

NM_002855.5(NECTIN1):c.1123G>A (p.Val375Met)

Gene: NECTIN1 (nectin cell adhesion molecule 1; minus strand). Cytogenetic location: 11q23.3.
Variant type: single nucleotide variant.
Coding change: c.1123G>A on transcript NM_002855.5 (MANE Select); coding-DNA position 1123, G replaced by A.
Protein change: p.Val375Met; replaces valine 375 with methionine.
Molecular consequence: missense variant. On other transcripts: intron variant (1).
Genome position (GRCh38, 1-based): chr11:119,665,178, C>T on the plus strand (G>A on the coding strand, the complement: NECTIN1 is on the minus strand). VCF-style: chr11-119665178-C-T. GRCh37 (hg19) VCF-style: chr11-119535888-C-T.
Other names: c.1003+9981G>A (NM_203285.2); short protein forms V375M.
Identifiers: ClinVar variation 1499489 (VCV001499489.7), dbSNP rs145005973, ClinGen allele CA6321860.